The following is an entry in ClinVar:

NM_017617.5(NOTCH1):c.1018G>A (p.Ala340Thr)

Gene: NOTCH1 (notch receptor 1; minus strand). Cytogenetic location: 9q34.3.
Variant type: single nucleotide variant.
Coding change: c.1018G>A on transcript NM_017617.5 (MANE Select); coding-DNA position 1018, G replaced by A.
Protein change: p.Ala340Thr; replaces alanine 340 with threonine.
Molecular consequence: missense variant.
Genome position (GRCh38, 1-based): chr9:136,518,672, C>T on the plus strand (G>A on the coding strand, the complement: NOTCH1 is on the minus strand). VCF-style: chr9-136518672-C-T. GRCh37 (hg19) VCF-style: chr9-139413124-C-T.
Other names: short protein forms A340T.
Identifiers: ClinVar variation 1750963 (VCV001750963.8), dbSNP rs2133370928, ClinGen allele CA375565398.

ClinVar aggregate classification (germline): Uncertain significance. Review status: criteria provided, multiple submitters, no conflicts (2 of 4 stars). 2 submissions from 2 submitters: Uncertain significance (2). Last evaluated 2024-12-28.

Conditions:
Adams-Oliver syndrome 5 (AOS5). Identifiers: Orphanet 974, MedGen C4014970, MONDO:0014459, OMIM 616028.
Familial thoracic aortic aneurysm and aortic dissection (TAAD). Also called: Thoracic aortic aneurysms and dissections. Identifiers: Orphanet 91387, MedGen C4707243, MONDO:0019625.

Allele frequency attached by ClinVar (database versions not stated): gnomAD exomes below 0.00001.
gnomAD v4.1: 1 of 1,612,590 alleles (0.000062%); highest among the groups gnomAD compares: Non-Finnish European, 0.000085%; no homozygotes.

Submissions (2):

Ambry Genetics
Classification: Uncertain significance for Familial thoracic aortic aneurysm and aortic dissection. Last evaluated: 2024-12-28. Review status: criteria provided, single submitter. Criteria: Ambry Variant Classification Scheme 2023. Collection method: clinical testing. Allele origin: germline.
Comment: The p.A340T variant (also known as c.1018G>A), located in coding exon 6 of the NOTCH1 gene, results from a G to A substitution at nucleotide position 1018. The alanine at codon 340 is replaced by threonine, an amino acid with similar properties. This amino acid position is conserved. In addition, the in silico prediction for this alteration is inconclusive. Since supporting evidence is limited at this time, the clinical significance of this alteration remains unclear.

Labcorp Genetics (formerly Invitae), Labcorp
Classification: Uncertain significance for Adams-Oliver syndrome 5. Last evaluated: 2021-11-29. Review status: criteria provided, single submitter. Criteria: Invitae Variant Classification Sherloc (09022015). Collection method: clinical testing. Allele origin: germline.
Comment: This sequence change replaces alanine, which is neutral and non-polar, with threonine, which is neutral and polar, at codon 340 of the NOTCH1 protein (p.Ala340Thr). This variant is not present in population databases (gnomAD no frequency). This variant has not been reported in the literature in individuals affected with NOTCH1-related conditions. Advanced modeling of protein sequence and biophysical properties (such as structural, functional, and spatial information, amino acid conservation, physicochemical variation, residue mobility, and thermodynamic stability) performed at Invitae indicates that this missense variant is not expected to disrupt NOTCH1 protein function. In summary, the available evidence is currently insufficient to determine the role of this variant in disease. Therefore, it has been classified as a Variant of Uncertain Significance.